The following is an entry in ClinVar:

NM_000492.4(CFTR):c.1472G>T (p.Cys491Phe)

Genes: CFTR (CF transmembrane conductance regulator; plus strand), CFTR-AS1 (CFTR antisense RNA 1; minus strand). Cytogenetic location: 7q31.2.
Variant type: single nucleotide variant.
Coding change: c.1472G>T on transcript NM_000492.4 (MANE Select); coding-DNA position 1472, G replaced by T.
Protein change: p.Cys491Phe; replaces cysteine 491 with phenylalanine.
Molecular consequence: missense variant.
Genome position (GRCh38, 1-based): chr7:117,559,543, G>T. VCF-style: chr7-117559543-G-T. GRCh37 (hg19) VCF-style: chr7-117199597-G-T.
Other names: p.Cys491Phe; short protein forms C491F.
Identifiers: ClinVar variation 555390 (VCV000555390.23), dbSNP rs778205742, ClinGen allele CA4451010.

ClinVar aggregate classification (germline): Conflicting classifications of pathogenicity. Review status: criteria provided, conflicting classifications (1 of 4 stars). 9 submissions from 9 submitters: Likely pathogenic (1); Uncertain significance (6). 2 of the submissions do not count toward it. Last evaluated 2025-12-08.

Conditions:
Cystic fibrosis (CF). Also called: MUCOVISCIDOSIS. Identifiers: Orphanet 586, MedGen C0010674, MONDO:0009061, OMIM 219700. Disease mechanism: loss of function.

Allele frequency attached by ClinVar (database versions not stated): gnomAD below 0.00001 and 0.00001; ExAC 0.00003; gnomAD exomes 0.00004.
gnomAD v4.1: 44 of 1,611,776 alleles (0.0027%); highest among the groups gnomAD compares: South Asian, 0.046%; 1 homozygote.

Submissions (9):

Women's Health and Genetics/Laboratory Corporation of America, LabCorp
Classification: Uncertain significance. Last evaluated: 2025-12-08. Review status: criteria provided, single submitter. Criteria: LabCorp Variant Classification Summary - May 2015. Collection method: clinical testing. Allele origin: germline.
Comment: Variant summary: CFTR c.1472G>T (p.Cys491Phe) results in a non-conservative amino acid change located in the ABC transporter-like, ATP-binding domain (IPR003439) of the encoded protein sequence. Algorithms developed to predict the effect of missense changes on protein structure and function all suggest that this variant is likely to be disruptive. The variant allele was found at a frequency of 3.6e-05 in 251320 control chromosomes, predominantly at a frequency of 0.00029 within the South Asian subpopulation in the gnomAD database. The available data on variant occurrences in the general population are insufficient to allow any conclusion about variant significance. c.1472G>T has been reported in the literature in an individual affected with Congenital Bilateral Absence Of The Vas Deferens and as an uninformative genotype (i.e. zygosity not specified) in an individual affected with Cystic Fibrosis, reported in a CF registry (Li_2012, Vaidyanathan_2022). These report(s) do not provide unequivocal conclusions about association of the variant with Cystic Fibrosis. To our knowledge, no experimental evidence demonstrating an impact on protein function has been reported. The following publications have been ascertained in the context of this evaluation (PMID: 22483971, 35857025). ClinVar contains an entry for this variant (Variation ID: 555390). Based on the evidence outlined above, the variant was classified as uncertain significance.

Ambry Genetics
Classification: Uncertain significance for Cystic fibrosis. Last evaluated: 2024-02-22. Review status: criteria provided, single submitter. Criteria: Ambry Variant Classification Scheme 2023. Collection method: clinical testing. Allele origin: germline.
Comment: The p.C491F variant (also known as c.1472G>T), located in coding exon 11 of the CFTR gene, results from a G to T substitution at nucleotide position 1472. The cysteine at codon 491 is replaced by phenylalanine, an amino acid with highly dissimilar properties. This amino acid position is not well conserved in available vertebrate species. In addition, this alteration is predicted to be deleterious by in silico analysis. Based on the available evidence, the clinical significance of this alteration remains unclear.

Labcorp Genetics (formerly Invitae), Labcorp
Classification: Uncertain significance for Cystic fibrosis. Last evaluated: 2022-08-03. Review status: criteria provided, single submitter. Criteria: Invitae Variant Classification Sherloc (09022015). Collection method: clinical testing. Allele origin: germline.
Comment: This sequence change replaces cysteine, which is neutral and slightly polar, with phenylalanine, which is neutral and non-polar, at codon 491 of the CFTR protein (p.Cys491Phe). This variant is present in population databases (rs778205742, gnomAD 0.03%). This missense change has been observed in individual(s) with congenital bilateral absence of vas deferens (PMID: 22483971). ClinVar contains an entry for this variant (Variation ID: 555390). Advanced modeling of protein sequence and biophysical properties (such as structural, functional, and spatial information, amino acid conservation, physicochemical variation, residue mobility, and thermodynamic stability) performed at Invitae indicates that this missense variant is expected to disrupt CFTR protein function. In summary, the available evidence is currently insufficient to determine the role of this variant in disease. Therefore, it has been classified as a Variant of Uncertain Significance.

Genome-Nilou Lab
Classification: Uncertain significance for Cystic fibrosis. Last evaluated: 2021-09-05. Review status: criteria provided, single submitter. Criteria: ACMG Guidelines, 2015. Collection method: clinical testing. Allele origin: germline. Affected: no.

Mayo Clinic Laboratories, Mayo Clinic
Classification: Uncertain significance. Last evaluated: 2021-06-08. Review status: criteria provided, single submitter. Criteria: ACMG Guidelines, 2015. Collection method: clinical testing. Allele origin: germline.

ARUP Laboratories, Molecular Genetics and Genomics, ARUP Laboratories
Classification: Uncertain significance. Last evaluated: 2018-08-21. Review status: criteria provided, single submitter. Criteria: ARUP Molecular Germline Variant Investigation Process. Collection method: clinical testing. Allele origin: germline.
Comment: The CFTR c.1472G>T; p.Cys491Phe variant (rs397508213), is reported in the literature in at least one individual affected with congenital bilateral absence of vas deferens (Li 2012). This variant is reported as uncertain significance in ClinVar (Variation ID: 555390), and is found in the South Asian population with an overall allele frequency of 0.03% (10/30,782 alleles) in the Genome Aggregation Database. The cysteine at codon 491 is weakly conserved, but computational analyses (SIFT, PolyPhen-2) predict that this variant is deleterious. Due to limited information, the clinical significance of the p.Cys491Phe variant is uncertain at this time. References: Li H et al. Mutations in the cystic fibrosis transmembrane conductance regulator (CFTR) in Chinese patients with congenital bilateral absence of vas deferens. J Cyst Fibros. 2012 Jul;11(4):316-23.

Kariminejad - Najmabadi Pathology & Genetics Center
Classification: Likely pathogenic for Cystic fibrosis. Review status: criteria provided, single submitter. Criteria: ACMG Guidelines, 2015. Collection method: clinical testing. Allele origin: germline. Affected: no.

Natera, Inc.
Classification: Uncertain significance for Cystic Fibrosis. Last evaluated: 2020-09-16. Review status: no assertion criteria provided. Collection method: clinical testing. Allele origin: germline. Not counted in ClinVar's aggregate classification.

Counsyl
Classification: Uncertain significance for Cystic fibrosis. Last evaluated: 2017-12-04. Review status: no assertion criteria provided. Collection method: clinical testing. Allele origin: unknown. Not counted in ClinVar's aggregate classification.

Literature cited by the submitters: PubMed 22483971 (cited by 3 submitters); PubMed 35857025 (cited by Women's Health and Genetics/Laboratory Corporation of America, LabCorp).